The following is an entry in ClinVar:

NM_020975.6(RET):c.2867C>T (p.Pro956Leu)

Gene: RET (ret proto-oncogene; plus strand). Cytogenetic location: 10q11.21.
Variant type: single nucleotide variant.
Coding change: c.2867C>T on transcript NM_020975.6 (MANE Select); coding-DNA position 2867, C replaced by T.
Protein change: p.Pro956Leu; replaces proline 956 with leucine.
Molecular consequence: missense variant.
Genome position (GRCh38, 1-based): chr10:43,123,736, C>T. VCF-style: chr10-43123736-C-T. GRCh37 (hg19) VCF-style: chr10-43619184-C-T.
Other names: c.2867C>T, p.Pro956Leu (NM_000323.2, NM_001406743.1, NM_001406744.1 and 4 more transcripts); c.2105C>T, p.Pro702Leu (NM_001355216.2); c.2738C>T, p.Pro913Leu (NM_001406761.1, NM_001406762.1, NM_001406764.1); c.2732C>T, p.Pro911Leu (NM_001406763.1, NM_001406765.1); c.2579C>T, p.Pro860Leu (NM_001406766.1, NM_001406767.1, NM_001406770.1); c.2603C>T, p.Pro868Leu (NM_001406768.1); c.2471C>T, p.Pro824Leu (NM_001406769.1, NM_001406772.1); c.2429C>T, p.Pro810Leu (NM_001406771.1, NM_001406773.1); and 10 more; short protein forms P956L, P702L, P521L, P614L, P860L, P612L, P868L, P911L.
Identifiers: ClinVar variation 841846 (VCV000841846.19), dbSNP rs1838269153, ClinGen allele CA376557851.

ClinVar aggregate classification (germline): Uncertain significance. Review status: criteria provided, multiple submitters, no conflicts (2 of 4 stars). 6 submissions from 6 submitters: Uncertain significance (6). Last evaluated 2025-11-01.

Conditions:
Multiple endocrine neoplasia, type 2 (MEN2). Identifiers: Orphanet 653, MedGen C4048306, MONDO:0019003. Disease mechanism: gain of function.
Hereditary cancer-predisposing syndrome. Also called: Hereditary Cancer Syndrome; Hereditary neoplastic syndrome; Tumor predisposition; Neoplastic Syndromes, Hereditary. Identifiers: Orphanet 140162, MedGen C0027672, MeSH D009386, MONDO:0015356.

Allele frequency attached by ClinVar (database versions not stated): gnomAD exomes below 0.00001.
gnomAD v4.1: 1 of 1,614,204 alleles (0.000062%); highest among the groups gnomAD compares: Non-Finnish European, 0.000085%; no homozygotes.

Submissions (6):

Labcorp Genetics (formerly Invitae), Labcorp
Classification: Uncertain significance for Multiple endocrine neoplasia, type 2. Last evaluated: 2025-11-01. Review status: criteria provided, single submitter. Criteria: Invitae Variant Classification Sherloc (09022015). Collection method: clinical testing. Allele origin: germline.
Comment: This sequence change replaces proline, which is neutral and non-polar, with leucine, which is neutral and non-polar, at codon 956 of the RET protein (p.Pro956Leu). This variant is not present in population databases (gnomAD no frequency). This variant has not been reported in the literature in individuals affected with RET-related conditions. ClinVar contains an entry for this variant (Variation ID: 841846). An algorithm developed to predict the effect of missense changes on protein structure and function (PolyPhen-2) suggests that this variant is likely to be disruptive. In summary, the available evidence is currently insufficient to determine the role of this variant in disease. Therefore, it has been classified as a Variant of Uncertain Significance.

Ambry Genetics
Classification: Uncertain significance for Hereditary cancer-predisposing syndrome. Last evaluated: 2025-07-25. Review status: criteria provided, single submitter. Criteria: Ambry Variant Classification Scheme 2023. Collection method: clinical testing. Allele origin: germline.
Comment: The p.P956L variant (also known as c.2867C>T), located in coding exon 17 of the RET gene, results from a C to T substitution at nucleotide position 2867. The proline at codon 956 is replaced by leucine, an amino acid with similar properties. This amino acid position is not well conserved in available vertebrate species. In addition, the in silico prediction for this alteration is inconclusive. Since supporting evidence is limited at this time, the clinical significance of this alteration remains unclear.

Quest Diagnostics Nichols Institute San Juan Capistrano
Classification: Uncertain significance. Last evaluated: 2025-01-13. Review status: criteria provided, single submitter. Criteria: Quest Diagnostics criteria. Collection method: clinical testing. Allele origin: unknown.

All of Us Research Program, National Institutes of Health
Classification: Uncertain significance for Multiple endocrine neoplasia, type 2. Last evaluated: 2023-10-02. Review status: criteria provided, single submitter. Criteria: ACMG Guidelines, 2015. Collection method: clinical testing. Allele origin: germline. Inheritance: Autosomal dominant inheritance. Observed: 1 variant allele, 1 heterozygote.
Comment: This missense variant replaces proline with leucine at codon 956 of the RET protein. Computational prediction is inconclusive regarding the impact of this variant on protein structure and function (internally defined REVEL score threshold 0.5 < inconclusive < 0.7, PMID: 27666373). To our knowledge, functional studies have not been reported for this variant. This variant has not been reported in individuals affected with RET-related disorders in the literature. This variant has not been identified in the general population by the Genome Aggregation Database (gnomAD). The available evidence is insufficient to determine the role of this variant in disease conclusively. Therefore, this variant is classified as a Variant of Uncertain Significance.

This study involves interpretation of variants in research participants for the purpose of population health screening. Participant phenotype was not available at the time of variant classification. Additional details can be found in publication PMID: 35346344, PMCID: PMC8962531

GeneDx
Classification: Uncertain significance. Last evaluated: 2023-06-22. Review status: criteria provided, single submitter. Criteria: GeneDx Variant Classification Process June 2021. Collection method: clinical testing. Allele origin: germline. Affected: yes.
Comment: Not observed at significant frequency in large population cohorts (gnomAD); In silico analysis supports that this missense variant has a deleterious effect on protein structure/function; Has not been previously published as pathogenic or benign to our knowledge; This variant is associated with the following publications: (PMID: 14633923)

St. Jude Molecular Pathology, St. Jude Children's Research Hospital
Classification: Uncertain significance for Multiple endocrine neoplasia, type 2. Last evaluated: 2021-07-22. Review status: criteria provided, single submitter. Criteria: St. Jude Assertion Criteria 2020. Collection method: clinical testing. Allele origin: germline.
Comment: The RET c.2867C>T (p.Pro956Leu) missense change is absent in gnomAD v2.1.1 (PM2_supporting). Five of seven in silico tools predict a deleterious effect of this variant on protein function (PP3), but to our knowledge these predictions have not been confirmed by functional assays. To our knowledge, this variant has not been reported in the literature in individuals with MEN2. In summary, this variant meets criteria to be classified as of uncertain significance based on the ACMG/AMP criteria: PM2_supporting, PP3.